The following is an entry in ClinVar:

ClinVar aggregate classification (germline): Likely pathogenic. Review status: criteria provided, multiple submitters, no conflicts (2 of 4 stars). 2 submissions from 2 submitters: Likely pathogenic (2). Last evaluated 2025-01-24.

Conditions:
Anterior segment dysgenesis 8 (ASGD8). Identifiers: Orphanet 519388, MedGen C4310622, MONDO:0015017, OMIM 617319.

gnomAD v4.1: 12 of 1,612,630 alleles (0.00074%); highest among the groups gnomAD compares: East Asian, 0.0045%; no homozygotes.

Submissions (2):

GeneDx
Classification: Likely pathogenic. Last evaluated: 2025-01-24. Review status: criteria provided, single submitter. Criteria: GeneDx Variant Classification Process June 2021. Collection method: clinical testing. Allele origin: germline. Affected: yes.
Comment: Identified in a patient with congenital ectopia lentis, however additional clinical information was not provided (PMID: 34818515); Nonsense variant predicted to result in protein truncation or nonsense mediated decay in a gene for which loss of function is a known mechanism of disease; Not observed at significant frequency in large population cohorts (gnomAD); This variant is associated with the following publications: (PMID: 34818515)

Juno Genomics, Hangzhou Juno Genomics, Inc
Classification: Likely pathogenic for Anterior segment dysgenesis 8. Review status: criteria provided, single submitter. Criteria: ACMG Guidelines, 2015. Collection method: clinical testing. Allele origin: germline. Affected: yes.
Comment: Absent from controls (or at extremely low frequency if recessive) in Genome Aggregation Database, Exome Sequencing Project, 1000 Genomes Project, or Exome Aggregation Consortium.;Null variant in a gene where loss of function (LOF) is a known mechanism of disease.

NM_015692.5(CPAMD8):c.3349C>T (p.Arg1117Ter)

Gene: CPAMD8 (C3 and PZP like alpha-2-macroglobulin domain containing 8; minus strand). Cytogenetic location: 19p13.11.
Variant type: single nucleotide variant.
Coding change: c.3349C>T on transcript NM_015692.5 (MANE Select); coding-DNA position 3349, C replaced by T.
Protein change: p.Arg1117Ter; replaces arginine 1117 with a stop codon.
Molecular consequence: nonsense.
Genome position (GRCh38, 1-based): chr19:16,928,030, G>A on the plus strand (C>T on the coding strand, the complement: CPAMD8 is on the minus strand). VCF-style: chr19-16928030-G-A. GRCh37 (hg19) VCF-style: chr19-17038840-G-A.
Other names: c.3490C>T (NM_015692.2); short protein forms R1117*.
Identifiers: ClinVar variation 3382024 (VCV003382024.3).